The following is an entry in ClinVar:

NM_000760.4(CSF3R):c.994C>T (p.Arg332Trp)

Gene: CSF3R (colony stimulating factor 3 receptor; minus strand). Cytogenetic location: 1p34.3.
Variant type: single nucleotide variant.
Coding change: c.994C>T on transcript NM_000760.4 (MANE Select); coding-DNA position 994, C replaced by T.
Protein change: p.Arg332Trp; replaces arginine 332 with tryptophan.
Molecular consequence: missense variant.
Genome position (GRCh38, 1-based): chr1:36,472,241, G>A on the plus strand (C>T on the coding strand, the complement: CSF3R is on the minus strand). VCF-style: chr1-36472241-G-A. GRCh37 (hg19) VCF-style: chr1-36937842-G-A.
Other names: c.994C>T, p.Arg332Trp (NM_156039.3, NM_172313.3); c.994C>T (NM_000760.3); short protein forms R332W.
Identifiers: ClinVar variation 1381170 (VCV001381170.8), dbSNP rs112400536, ClinGen allele CA769326.

ClinVar aggregate classification (germline): Uncertain significance. Review status: criteria provided, multiple submitters, no conflicts (2 of 4 stars). 3 submissions from 3 submitters: Uncertain significance (3). Last evaluated 2026-02-02.

Conditions:
Autosomal recessive severe congenital neutropenia due to CSF3R deficiency. Also called: Neutropenia, severe congenital, 7, autosomal recessive. Identifiers: Orphanet 420702, MedGen C4310764, MONDO:0014865, OMIM 617014.
Inborn genetic diseases. Identifiers: MedGen C0950123, MeSH D030342.

Allele frequency attached by ClinVar (database versions not stated): ExAC 0.00001; gnomAD 0.00001 and 0.00002; gnomAD exomes 0.00001; TOPMed 0.00002.
gnomAD v4.1: 20 of 1,614,130 alleles (0.0012%); highest among the groups gnomAD compares: African/African-American, 0.011%; no homozygotes.

Submissions (3):

Labcorp Genetics (formerly Invitae), Labcorp
Classification: Uncertain significance for Autosomal recessive severe congenital neutropenia due to CSF3R deficiency. Last evaluated: 2026-02-02. Review status: criteria provided, single submitter. Criteria: Invitae Variant Classification Sherloc (09022015). Collection method: clinical testing. Allele origin: germline.
Comment: This sequence change replaces arginine, which is basic and polar, with tryptophan, which is neutral and slightly polar, at codon 332 of the CSF3R protein (p.Arg332Trp). This variant is present in population databases (rs112400536, gnomAD 0.007%). This variant has not been reported in the literature in individuals affected with CSF3R-related conditions. ClinVar contains an entry for this variant (Variation ID: 1381170). Invitae Evidence Modeling of protein sequence and biophysical properties (such as structural, functional, and spatial information, amino acid conservation, physicochemical variation, residue mobility, and thermodynamic stability) indicates that this missense variant is not expected to disrupt CSF3R protein function with a negative predictive value of 80%. In summary, the available evidence is currently insufficient to determine the role of this variant in disease. Therefore, it has been classified as a Variant of Uncertain Significance.

ARUP Laboratories, Molecular Genetics and Genomics, ARUP Laboratories
Classification: Uncertain significance. Last evaluated: 2025-04-18. Review status: criteria provided, single submitter. Criteria: ARUP Molecular Germline Variant Investigation Process 2024. Collection method: clinical testing. Allele origin: germline.
Comment: The CSF3R c.994C>T; p.Arg332Trp variant (rs112400536), to our knowledge, is not reported in the medical literature but is reported in ClinVar (Variation ID: 1381170). This variant is only observed on two alleles in the Genome Aggregation Database (v2.1.1), indicating it is not a common polymorphism. Computational analyses predict that this variant is neutral (REVEL: 0.043). Due to limited information, the clinical significance of this variant is uncertain at this time.

Ambry Genetics
Classification: Uncertain significance for Inborn genetic diseases. Last evaluated: 2021-09-16. Review status: criteria provided, single submitter. Criteria: Ambry Variant Classification Scheme 2023. Collection method: clinical testing. Allele origin: germline.